The following is an entry in ClinVar:

ClinVar aggregate classification (germline): Likely benign (1 of 4 stars; one submission).

Conditions:
Long QT syndrome (LQTS). Identifiers: MedGen C0023976, MeSH D008133, MONDO:0002442. Disease mechanism: loss of function. Inheritance: Various modes of inheritance.

Submission:

All of Us Research Program, National Institutes of Health
Classification: Likely benign for Long QT syndrome. Last evaluated: 2023-09-17. Review status: criteria provided, single submitter. Criteria: ACMG Guidelines, 2015. Collection method: clinical testing. Allele origin: germline. Inheritance: Autosomal dominant inheritance. Observed: 1 variant allele, 1 heterozygote.
Comment: This study involves interpretation of variants in research participants for the purpose of population health screening. Participant phenotype was not available at the time of variant classification. Additional details can be found in publication PMID: 35346344, PMCID: PMC8962531

NM_000238.4(KCNH2):c.2865G>C (p.Leu955=)

Gene: KCNH2 (potassium voltage-gated channel subfamily H member 2; minus strand). Cytogenetic location: 7q36.1.
Variant type: single nucleotide variant.
Coding change: c.2865G>C on transcript NM_000238.4 (MANE Select); coding-DNA position 2865, G replaced by C.
Protein change: p.Leu955=; no amino-acid change (leucine 955 retained).
Molecular consequence: synonymous variant.
Genome position (GRCh38, 1-based): chr7:150,947,706, C>G on the plus strand (G>C on the coding strand, the complement: KCNH2 is on the minus strand). VCF-style: chr7-150947706-C-G. GRCh37 (hg19) VCF-style: chr7-150644794-C-G.
Other names: c.2577G>C, p.Leu859= (NM_001406753.1); c.1845G>C, p.Leu615= (NM_172057.3).
Identifiers: ClinVar variation 3073374 (VCV003073374.1), dbSNP rs2486007161, ClinGen allele CA458870969.